The following is an entry in ClinVar:

NM_006618.5(KDM5B):c.2507A>G (p.Gln836Arg)

Gene: KDM5B (lysine demethylase 5B; minus strand). Cytogenetic location: 1q32.1.
Variant type: single nucleotide variant.
Coding change: c.2507A>G on transcript NM_006618.5 (MANE Select); coding-DNA position 2507, A replaced by G.
Protein change: p.Gln836Arg; replaces glutamine 836 with arginine.
Molecular consequence: missense variant.
Genome position (GRCh38, 1-based): chr1:202,742,473, T>C on the plus strand (A>G on the coding strand, the complement: KDM5B is on the minus strand). VCF-style: chr1-202742473-T-C. GRCh37 (hg19) VCF-style: chr1-202711601-T-C.
Other names: c.2615A>G, p.Gln872Arg (NM_001314042.2); c.2372A>G, p.Gln791Arg (NM_001347591.2); c.2492A>G, p.Gln831Arg (NM_001399817.1); short protein forms Q791R, Q831R, Q836R, Q872R.
Identifiers: ClinVar variation 2662440 (VCV002662440.1), dbSNP rs762729826, ClinGen allele CA1334407.

ClinVar aggregate classification (germline): Uncertain significance (1 of 4 stars; one submission).

Allele frequency attached by ClinVar (database versions not stated): ExAC 0.00001; TOPMed 0.00003.
gnomAD v4.1: 2 of 1,613,982 alleles (0.00012%); highest among the groups gnomAD compares: African/African-American, 0.0027%; no homozygotes.

Submission:

GeneDx
Classification: Uncertain significance. Last evaluated: 2023-04-05. Review status: criteria provided, single submitter. Criteria: GeneDx Variant Classification Process June 2021. Collection method: clinical testing. Allele origin: germline. Affected: yes.
Comment: In silico analysis supports that this missense variant does not alter protein structure/function; Has not been previously published as pathogenic or benign to our knowledge